The following is an entry in ClinVar:

NM_000540.3(RYR1):c.9727A>T (p.Ile3243Phe)

Gene: RYR1 (ryanodine receptor 1; plus strand). Cytogenetic location: 19q13.2.
Variant type: single nucleotide variant.
Coding change: c.9727A>T on transcript NM_000540.3 (MANE Select); coding-DNA position 9727, A replaced by T.
Protein change: p.Ile3243Phe; replaces isoleucine 3243 with phenylalanine.
Molecular consequence: missense variant.
Genome position (GRCh38, 1-based): chr19:38,517,400, A>T. VCF-style: chr19-38517400-A-T. GRCh37 (hg19) VCF-style: chr19-39008040-A-T.
Other names: c.9727A>T, p.Ile3243Phe (NM_001042723.2); short protein forms I3243F.
Identifiers: ClinVar variation 4540341 (VCV004540341.1).
Genomic context (GRCh38, chr19:38,517,400, plus strand): 5'-CCCCGTCCCTGTACCCCAGTCCTGGGGCTCCCCAACAGTGTGGAGGAGATGTGTCCCGAC[A>T]TCCCGGTGCTGGAGCGGCTCATGGCAGACATTGGGGGGCTGGCCGAGTCAGGTGCCCGCT-3'
Protein context (NP_000531.2, residues 3233-3253): PNSVEEMCPD[Ile3243Phe]PVLERLMADI

ClinVar aggregate classification (germline): Uncertain significance (1 of 4 stars; one submission).

Submission:

GeneDx
Classification: Uncertain significance. Last evaluated: 2025-06-25. Review status: criteria provided, single submitter. Criteria: GeneDx Variant Classification Process June 2021. Collection method: clinical testing. Allele origin: germline. Affected: yes.
Comment: Not observed at significant frequency in large population cohorts (gnomAD); In silico analysis supports that this missense variant has a deleterious effect on protein structure/function; Has not been previously published as pathogenic or benign to our knowledge